The following is an entry in ClinVar:

NM_032776.3(JMJD1C):c.1258G>A (p.Glu420Lys)

Gene: JMJD1C (jumonji domain containing 1C; minus strand). Cytogenetic location: 10q21.3.
Variant type: single nucleotide variant.
Coding change: c.1258G>A on transcript NM_032776.3 (MANE Select); coding-DNA position 1258, G replaced by A.
Protein change: p.Glu420Lys; replaces glutamic acid 420 with lysine.
Molecular consequence: missense variant. On other transcripts: non-coding transcript variant (1).
Genome position (GRCh38, 1-based): chr10:63,214,909, C>T on the plus strand (G>A on the coding strand, the complement: JMJD1C is on the minus strand). VCF-style: chr10-63214909-C-T. GRCh37 (hg19) VCF-style: chr10-64974669-C-T.
Other names: c.712G>A, p.Glu238Lys (NM_001282948.2, NM_001318154.2); c.394G>A, p.Glu132Lys (NM_001318153.2); c.1144G>A, p.Glu382Lys (NM_001322252.2); c.601G>A, p.Glu201Lys (NM_001322254.2, NM_001322258.2); short protein forms E238K, E382K, E420K, E132K, E201K.
Identifiers: ClinVar variation 1906050 (VCV001906050.5), dbSNP rs1273224547, ClinGen allele CA377050195.

ClinVar aggregate classification (germline): Uncertain significance (1 of 4 stars; one submission).

Conditions:
Early Myoclonic Encephalopathy. Identifiers: MedGen C0270855.

Allele frequency attached by ClinVar (database versions not stated): gnomAD exomes below 0.00001.
gnomAD v4.1: 2 of 1,612,368 alleles (0.00012%); highest among the groups gnomAD compares: Non-Finnish European, 0.00017%; no homozygotes.

Submission:

Labcorp Genetics (formerly Invitae), Labcorp
Classification: Uncertain significance for Early Myoclonic Encephalopathy. Last evaluated: 2025-09-08. Review status: criteria provided, single submitter. Criteria: Invitae Variant Classification Sherloc (09022015). Collection method: clinical testing. Allele origin: germline.
Comment: This sequence change replaces glutamic acid, which is acidic and polar, with lysine, which is basic and polar, at codon 420 of the JMJD1C protein (p.Glu420Lys). This variant is present in population databases (no rsID available, gnomAD 0.0009%). This variant has not been reported in the literature in individuals affected with JMJD1C-related conditions. ClinVar contains an entry for this variant (Variation ID: 1906050). Invitae Evidence Modeling of protein sequence and biophysical properties (such as structural, functional, and spatial information, amino acid conservation, physicochemical variation, residue mobility, and thermodynamic stability) indicates that this missense variant is not expected to disrupt JMJD1C protein function with a negative predictive value of 80%. In summary, the available evidence is currently insufficient to determine the role of this variant in disease. Therefore, it has been classified as a Variant of Uncertain Significance.